The following is an entry in ClinVar:

NM_025114.4(CEP290):c.2524G>T (p.Glu842Ter)

Gene: CEP290 (centrosomal protein 290; minus strand). Cytogenetic location: 12q21.32.
Variant type: single nucleotide variant.
Coding change: c.2524G>T on transcript NM_025114.4 (MANE Select); coding-DNA position 2524, G replaced by T.
Protein change: p.Glu842Ter; replaces glutamic acid 842 with a stop codon.
Molecular consequence: nonsense.
Genome position (GRCh38, 1-based): chr12:88,107,058, C>A on the plus strand (G>T on the coding strand, the complement: CEP290 is on the minus strand). VCF-style: chr12-88107058-C-A. GRCh37 (hg19) VCF-style: chr12-88500835-C-A.
Other names: short protein forms E842*.
Identifiers: ClinVar variation 4998342 (VCV004998342.2).

ClinVar aggregate classification (germline): Pathogenic/Likely pathogenic. Review status: criteria provided, multiple submitters, no conflicts (2 of 4 stars). 2 submissions from 2 submitters: Pathogenic (1); Likely pathogenic (1). Last evaluated 2024-12-03.

Conditions:
CEP290-related ciliopathy. Also called: CEP290 ciliopathy. Identifiers: MedGen CN305601, MONDO:0100451.
CEP290-related disorder. Also called: CEP290-related disorders; CEP290-related condition. Identifiers: MedGen CN239314.

Submissions (2):

Myriad Genetics, Inc.
Classification: Pathogenic for CEP290-related ciliopathy. Last evaluated: 2024-12-03. Review status: criteria provided, single submitter. Criteria: Myriad Autosomal Dominant, Autosomal Recessive and X-Linked Classification Criteria (2023). Collection method: clinical testing. Allele origin: unknown.
Comment: NM_025114.3(CEP290):c.2524G>T(E842*) is expected to be pathogenic in the context of CEP290-related disorders. This variant is predicted to lead to an abnormal or absent protein product due to the creation of a premature termination codon in CEP290, a gene where loss-of-function variants are known to be pathogenic. Please note: this variant was assessed in the context of healthy population screening.

PreventionGenetics, part of Exact Sciences
Classification: Likely pathogenic for CEP290-related condition. Last evaluated: 2024-11-15. Review status: criteria provided, single submitter. Criteria: ACMG Guidelines, 2015. Collection method: clinical testing. Allele origin: germline.
Comment: The CEP290 c.2524G>T variant is predicted to result in premature protein termination (p.Glu842*). To our knowledge, this variant has not been reported in the literature or in a large population database (gnomAD), indicating this variant is rare. Nonsense variants in CEP290 are expected to be pathogenic. This variant is interpreted as likely pathogenic.